The following is an entry in ClinVar:

NM_000059.4(BRCA2):c.7863T>A (p.Tyr2621Ter)

Gene: BRCA2 (BRCA2 DNA repair associated; plus strand). Cytogenetic location: 13q13.1.
Variant type: single nucleotide variant.
Coding change: c.7863T>A on transcript NM_000059.4 (MANE Select); coding-DNA position 7863, T replaced by A.
Protein change: p.Tyr2621Ter; replaces tyrosine 2621 with a stop codon.
Molecular consequence: nonsense.
Genome position (GRCh38, 1-based): chr13:32,362,580, T>A. VCF-style: chr13-32362580-T-A. GRCh37 (hg19) VCF-style: chr13-32936717-T-A.
Other names: short protein forms Y2621*.
Identifiers: ClinVar variation 52428 (VCV000052428.5), dbSNP rs276174896, ClinGen allele CA025312.
Genomic context (GRCh38, chr13:32,362,580, plus strand): 5'-CAGGGCTCTGTGTGACACTCCAGGTGTGGATCCAAAGCTTATTTCTAGAATTTGGGTTTA[T>A]AATCACTATAGATGGATCATATGGAAACTGGCAGCTATGGAATGTGCCTTTCCTAAGGAA-3'

ClinVar aggregate classification (germline): Pathogenic. Review status: reviewed by expert panel (3 of 4 stars). 4 submissions from 4 submitters: Pathogenic (1). 3 of the submissions do not count toward it. Last evaluated 2016-09-08.

Conditions:
Breast-ovarian cancer, familial, susceptibility to, 2 (BROVCA2). Also called: BRCA2 Hereditary Breast and Ovarian Cancer. Identifiers: Orphanet 145, MedGen C2675520, MONDO:0012933, OMIM 612555. Disease mechanism: loss of function.

Submissions (4):

Evidence-based Network for the Interpretation of Germline Mutant Alleles (ENIGMA)
Classification: Pathogenic for Breast-ovarian cancer, familial, susceptibility to, 2. Last evaluated: 2016-09-08. Review status: reviewed by expert panel. Criteria: ENIGMA BRCA1/2 Classification Criteria (2015). Collection method: curation. Allele origin: germline.
Comment: Variant allele predicted to encode a truncated non-functional protein.

Institute of Human Genetics, FAU Erlangen, Friedrich-Alexander-Universität Erlangen-Nürnberg
Classification: Pathogenic. Last evaluated: 2024-04-09. Review status: criteria provided, single submitter. Criteria: Hauer et al. (Genet Med. 2018). Collection method: clinical testing. Allele origin: germline. Inheritance: Unknown mechanism. Affected: yes. Observed: 1 variant allele. Not counted in ClinVar's aggregate classification.
Comment: This variant has been identified by standard clinical testing.

Consortium of Investigators of Modifiers of BRCA1/2 (CIMBA), c/o University of Cambridge
Classification: Pathogenic for Breast-ovarian cancer, familial, susceptibility to, 2. Last evaluated: 2015-10-02. Review status: criteria provided, single submitter. Criteria: CIMBA Mutation Classification guidelines May 2016. Collection method: clinical testing. Allele origin: germline. Not counted in ClinVar's aggregate classification.

Breast Cancer Information Core (BIC) (BRCA2)
Classification: Pathogenic for Breast-ovarian cancer, familial 2. Last evaluated: 2011-03-02. Review status: no assertion criteria provided. Collection method: clinical testing. Allele origin: germline. Affected: yes. Observed: 1 variant allele. Not counted in ClinVar's aggregate classification.